The following is an entry in ClinVar:

ClinVar aggregate classification (germline): Pathogenic (1 of 4 stars; one submission).

Submission:

Labcorp Genetics (formerly Invitae), Labcorp
Classification: Pathogenic. Last evaluated: 2019-07-10. Review status: criteria provided, single submitter. Criteria: Invitae Variant Classification Sherloc (09022015). Collection method: clinical testing. Allele origin: germline.
Comment: A gross deletion of the genomic region encompassing the full coding sequence of the ERCC8 gene has been identified. The boundaries of this event are unknown as the deletion extends beyond the assayed region for this gene and therefore may encompass additional genes. A similar copy number variant has been observed in an individual affected with Cockayne syndrome (PMID: 26210811). Loss-of-function variants in ERCC8 are known to be pathogenic (PMID: 19894250, 21108394). For these reasons, this variant has been classified as Pathogenic.

Literature cited by the submitters: PubMed 26210811.

NC_000005.10:g.(?_60874605)_(60945392_?)del

Genes: ERCC8 (ERCC excision repair 8, CSA ubiquitin ligase complex subunit; minus strand), NDUFAF2 (NADH:ubiquinone oxidoreductase complex assembly factor 2; plus strand). Cytogenetic location: 5q12.1.
Variant type: Deletion.
Identifiers: ClinVar variation 830458 (VCV000830458.1).